The following is an entry in ClinVar:

NM_000522.5(HOXA13):c.228C>A (p.Ala76=)

Genes: HOXA13 (homeobox A13; minus strand), LOC107126288 (NUP98-HOXA13 recombination region; plus strand). Cytogenetic location: 7p15.2.
Variant type: single nucleotide variant.
Coding change: c.228C>A on transcript NM_000522.5 (MANE Select); coding-DNA position 228, C replaced by A.
Protein change: p.Ala76=; no amino-acid change (alanine 76 retained).
Molecular consequence: synonymous variant.
Genome position (GRCh38, 1-based): chr7:27,199,850, G>T on the plus strand (C>A on the coding strand, the complement: HOXA13 is on the minus strand). VCF-style: chr7-27199850-G-T. GRCh37 (hg19) VCF-style: chr7-27239469-G-T.
Identifiers: ClinVar variation 3032454 (VCV003032454.2), dbSNP rs962505829, ClinGen allele CA454513846.

ClinVar aggregate classification (germline): Likely benign (0 of 4 stars; one submission).

Conditions:
HOXA13-related disorder. Also called: HOXA13-related condition.

Allele frequency attached by ClinVar (database versions not stated): TOPMed below 0.00001.

Submission:

PreventionGenetics, part of Exact Sciences
Classification: Likely benign for HOXA13-related condition. Last evaluated: 2023-03-15. Review status: no assertion criteria provided. Collection method: clinical testing. Allele origin: germline.
Comment: This variant is classified as likely benign based on ACMG/AMP sequence variant interpretation guidelines (Richards et al. 2015 PMID: 25741868, with internal and published modifications).